The following is an entry in ClinVar:

ClinVar aggregate classification (germline): Uncertain significance (1 of 4 stars; one submission).

Conditions:
Bloom syndrome (BLM). Also called: Bloom-Torre-Machacek syndrome. Identifiers: Orphanet 125, MedGen C0005859, MONDO:0008876, OMIM 210900.

Submission:

Labcorp Genetics (formerly Invitae), Labcorp
Classification: Uncertain significance for Bloom syndrome. Last evaluated: 2022-01-19. Review status: criteria provided, single submitter. Criteria: Invitae Variant Classification Sherloc (09022015). Collection method: clinical testing. Allele origin: germline.
Comment: This variant is not present in population databases (gnomAD no frequency). This variant, c.411_413del, results in the deletion of 1 amino acid(s) of the BLM protein (p.Lys138del), but otherwise preserves the integrity of the reading frame. This variant has not been reported in the literature in individuals affected with BLM-related conditions. Experimental studies and prediction algorithms are not available or were not evaluated, and the functional significance of this variant is currently unknown. In summary, the available evidence is currently insufficient to determine the role of this variant in disease. Therefore, it has been classified as a Variant of Uncertain Significance.

NM_000057.4(BLM):c.411_413del (p.Lys138del)

Gene: BLM (BLM RecQ like helicase; plus strand). Cytogenetic location: 15q26.1.
Variant type: Deletion.
Coding change: c.411_413del on transcript NM_000057.4 (MANE Select); coding-DNA positions 411 to 413, 3 bases deleted (GAA; older notation c.411_413delGAA).
Protein change: p.Lys138del; deletes lysine 138.
Molecular consequence: inframe deletion. On other transcripts: 5 prime UTR variant (1).
Genome position (GRCh38, 1-based): chr15:90,749,679-90,749,681, GAA deleted; deleting any 3 consecutive bases within chr15:90,749,677-90,749,681 gives the same sequence; the c. name uses the placement nearest the transcript's 3' end. VCF-style (leftmost placement, unchanged base first): chr15-90749676-CAAG-C. GRCh37 (hg19) VCF-style: chr15-91292906-CAAG-C.
Other names: c.411_413del, p.Lys138del (NM_001287246.2, NM_001287247.2); c.-881_-879del (NM_001287248.2); short protein forms K138del.
Identifiers: ClinVar variation 1376020 (VCV001376020.6), dbSNP rs1895614861, ClinGen allele CA2195277148.